The following is an entry in ClinVar:

ClinVar aggregate classification (germline): Pathogenic (1 of 4 stars; one submission).

Submission:

Labcorp Genetics (formerly Invitae), Labcorp
Classification: Pathogenic. Last evaluated: 2023-01-18. Review status: criteria provided, single submitter. Criteria: Invitae Variant Classification Sherloc (09022015). Collection method: clinical testing. Allele origin: germline.
Comment: This variant has not been reported in the literature in individuals affected with EPRS-related conditions. This sequence change creates a premature translational stop signal (p.Asp906Serfs*3) in the EPRS gene. It is expected to result in an absent or disrupted protein product. Loss-of-function variants in EPRS are known to be pathogenic (PMID: 29576217). This variant is not present in population databases (gnomAD no frequency). For these reasons, this variant has been classified as Pathogenic.

Literature cited by the submitters: PubMed 29576217.

NM_004446.3(EPRS1):c.2716_2717delinsT (p.Asp906fs)

Gene: EPRS1 (glutamyl-prolyl-tRNA synthetase 1; minus strand). Cytogenetic location: 1q41.
Variant type: Indel.
Coding change: c.2716_2717delinsT on transcript NM_004446.3 (MANE Select); coding-DNA positions 2716 to 2717, GA replaced by T.
Protein change: p.Asp906fs; shifts the reading frame from aspartic acid 906.
Molecular consequence: frameshift variant.
Genome position (GRCh38, 1-based): chr1:219,988,648-219,988,649, TC replaced by A on the plus strand (GA replaced by T on the coding strand, the reverse complement: EPRS1 is on the minus strand). VCF-style: chr1-219988648-TC-A. GRCh37 (hg19) VCF-style: chr1-220161990-TC-A.
Other names: short protein forms D906fs.
Identifiers: ClinVar variation 2096399 (VCV002096399.4), dbSNP rs2527976630, ClinGen allele CA2580062189.